The following is an entry in ClinVar:

ClinVar aggregate classification (germline): Likely pathogenic (1 of 4 stars; one submission).

Conditions:
VPS13A-related neurodegenerative disease. Also called: LEVINE-CRITCHLEY SYNDROME; Choreoacanthocytosis; Chorea-acanthocytosis; ACANTHOCYTOSIS WITH NEUROLOGIC DISORDER; VPS13A Disease; Choreaacanthocytosis. Identifiers: Orphanet 2388, MedGen C0393576, MONDO:0008695, OMIM 200150.

Submission:

Natera, Inc.
Classification: Likely pathogenic for Choreaacanthocytosis. Last evaluated: 2025-06-20. Review status: criteria provided, single submitter. Criteria: Natera Variant Classification Schema (03/2026). Collection method: clinical testing. Allele origin: germline.
Comment: The c.3068del variant in VPS13A is a frameshift variant predicted to shift the reading frame beginning at codon 1023 and leads to a stop codon 17 codons downstream. This variant is expected to result in nonsense mediated decay, truncation, or a dysfunctional protein product. This variant is rare in the general population with a frequency below the threshold expected for the associated phenotype(s). Given the available evidence, this variant is classified as Likely Pathogenic.

NM_033305.3(VPS13A):c.3068del (p.Pro1023fs)

Gene: VPS13A (vacuolar protein sorting 13 homolog A; plus strand). Cytogenetic location: 9q21.2.
Variant type: Deletion.
Coding change: c.3068del on transcript NM_033305.3 (MANE Select); coding-DNA position 3068, one base deleted (C; older notation c.3068delC).
Protein change: p.Pro1023fs; shifts the reading frame from proline 1023.
Molecular consequence: frameshift variant.
Genome position (GRCh38, 1-based): chr9:77,282,224, C deleted; the last of 4 consecutive C bases (chr9:77,282,221-77,282,224); deleting any one gives the same sequence. VCF-style (leftmost placement, unchanged base first): chr9-77282220-GC-G. GRCh37 (hg19) VCF-style: chr9-79897136-GC-G.
Other names: c.3068del, p.Pro1023fs (NM_001018037.2, NM_001018038.3, NM_015186.4); short protein forms P1023fs.
Identifiers: ClinVar variation 4816391 (VCV004816391.1).